The following is an entry in ClinVar:

NM_198075.4(LRRC56):c.1517C>T (p.Ser506Leu)

Gene: LRRC56 (leucine rich repeat containing 56; plus strand). Cytogenetic location: 11p15.5.
Variant type: single nucleotide variant.
Coding change: c.1517C>T on transcript NM_198075.4 (MANE Select); coding-DNA position 1517, C replaced by T.
Protein change: p.Ser506Leu; replaces serine 506 with leucine.
Molecular consequence: missense variant.
Genome position (GRCh38, 1-based): chr11:554,164, C>T. VCF-style: chr11-554164-C-T. GRCh37 (hg19) VCF-style: chr11-554164-C-T.
Other names: c.1517C>T, p.Ser506Leu (NM_001441283.1, NM_001441284.1); c.1340C>T, p.Ser447Leu (NM_001441285.1, NM_001441286.1); short protein forms S506L, S447L.
Identifiers: ClinVar variation 4747671 (VCV004747671.1).

ClinVar aggregate classification (germline): Uncertain significance (1 of 4 stars; one submission).

Submission:

Labcorp Genetics (formerly Invitae), Labcorp
Classification: Uncertain significance. Last evaluated: 2025-07-21. Review status: criteria provided, single submitter. Criteria: Invitae Variant Classification Sherloc (09022015). Collection method: clinical testing. Allele origin: germline.
Comment: This sequence change replaces serine, which is neutral and polar, with leucine, which is neutral and non-polar, at codon 506 of the LRRC56 protein (p.Ser506Leu). This variant is not present in population databases (gnomAD no frequency). This variant has not been reported in the literature in individuals affected with LRRC56-related conditions. An algorithm developed to predict the effect of missense changes on protein structure and function (PolyPhen-2) suggests that this variant is likely to be disruptive. In summary, the available evidence is currently insufficient to determine the role of this variant in disease. Therefore, it has been classified as a Variant of Uncertain Significance.